The following continues an entry in ClinVar:

NM_000051.4(ATM):c.8395_8404del (p.Phe2799fs)

ClinVar aggregate classification (germline): Pathogenic. Pathogenic (1).

Submissions 26 to 30 of 30:

Neuberg Centre For Genomic Medicine, NCGM
Classification: Pathogenic for Ataxia-telangiectasia syndrome. Review status: criteria provided, single submitter. Criteria: ACMG Guidelines, 2015. Collection method: clinical testing. Allele origin: germline. Inheritance: Autosomal recessive inheritance. Affected: yes. Not counted in ClinVar's aggregate classification.
Comment: The frame (c.8395_8404del) variant has been reported previously in patients affected with Ataxia-telangiectasia (Li A, Swift M., 200). The p.Phe2799LysfsTer4 variant is novel (not in any individuals) in 1000 Genomes and has allele frequency of 0.002% in gnomAD database. This variant has been reported to the ClinVar database as Pathogenic/Likely Pathogenic. This variant causes a frameshift starting with codon Phenylalanine 2799, changes this amino acid to Lysine residue, and creates a premature Stop codon at position 4 of the new reading frame, denoted p.Phe2799LysfsTer4. Loss-of-function variants in ATM are known to be pathogenic (Huang et. al., 2013). For these reasons, this variant has been classified as Pathogenic.

BRCAlab, Lund University
Classification: Pathogenic for Familial cancer of breast. Last evaluated: 2022-08-26. Review status: no assertion criteria provided. Collection method: clinical testing. Allele origin: germline. Affected: yes. Not counted in ClinVar's aggregate classification.

Medical Genetics Laboratory, Umraniye Training and Research Hospital, University of Health Sciences
Classification: Pathogenic for Breast carcinoma. Last evaluated: 2021-08-20. Review status: no assertion criteria provided. Collection method: clinical testing. Allele origin: germline. Affected: yes. Observed: 1 variant allele, 1 heterozygote. Not counted in ClinVar's aggregate classification.
Comment: Invasive Ductal Carcinoma Estrogen Receptor: Positive Progesterone Receptor: Positive HER2 Receptor: Negative

Laboratory for Genotyping Development, RIKEN
Classification: Pathogenic for Gastric cancer. Last evaluated: 2021-07-01. Review status: no assertion criteria provided. Collection method: research. Allele origin: germline. Not counted in ClinVar's aggregate classification.

Counsyl
Classification: Likely pathogenic for Ataxia-telangiectasia syndrome. Last evaluated: 2015-10-13. Review status: no assertion criteria provided. Collection method: clinical testing. Allele origin: unknown. Not counted in ClinVar's aggregate classification.

Literature cited by the submitters: PubMed 23807571 (cited by Labcorp Genetics (formerly Invitae), Labcorp and GeneKor MSA); PubMed 25614872 (cited by Labcorp Genetics (formerly Invitae), Labcorp and GeneKor MSA); PubMed 9792409 (cited by 7 submitters); PubMed 9887333 (cited by 6 submitters); PubMed 10817650 (cited by 6 submitters); PubMed 12815592 (cited by 8 submitters); PubMed 21833744 (cited by 4 submitters); PubMed 25980754 (cited by 4 submitters); PubMed 27978560 (cited by 5 submitters); PubMed 19147735 (cited by Dasa and Women's Health and Genetics/Laboratory Corporation of America, LabCorp); PubMed 3574400 (cited by Dasa); PubMed 27595995 (cited by Dasa); PubMed 15928302 (cited by Dasa); PubMed 21665257 (cited by Natera, Inc. and Color Diagnostics, LLC DBA Color Health); PubMed 33919281 (cited by GeneKor MSA and Mayo Clinic Laboratories, Mayo Clinic); PubMed 35892882 (cited by 3 submitters); PubMed 28767289 (cited by 6 submitters); PubMed 18718650 (cited by 3 submitters); PubMed 30322717 (cited by Mayo Clinic Laboratories, Mayo Clinic and Sema4); PubMed 32090079 (cited by Mayo Clinic Laboratories, Mayo Clinic); PubMed 34637943 (cited by Mayo Clinic Laboratories, Mayo Clinic); PubMed 36988593 (cited by Laboratory for Genotyping Development, RIKEN).